The following is an entry in ClinVar:

ClinVar aggregate classification (germline): Likely pathogenic (1 of 4 stars; one submission).

Conditions:
THPO-related disorder. Also called: THPO-related condition.

Submission:

PreventionGenetics, part of Exact Sciences
Classification: Likely pathogenic for THPO-related condition. Last evaluated: 2026-08-24. Review status: criteria provided, single submitter. Criteria: ACMG Guidelines, 2015. Collection method: clinical testing. Allele origin: germline.
Comment: The THPO c.792delC variant is predicted to result in a frameshift and premature protein termination (p.Ser265Hisfs*5). To our knowledge, this variant has not been reported in the literature. This variant is reported in 0.00088% of alleles in individuals of European (Non-Finnish) descent in gnomAD. Frameshift variants in THPO are expected to be pathogenic. This variant is interpreted as likely pathogenic for THPO-related disorders associated with thrombocytopenia.

NM_000460.4(THPO):c.792del (p.Ser265fs)

Gene: THPO (thrombopoietin; minus strand). Cytogenetic location: 3q27.1.
Variant type: Deletion.
Coding change: c.792del on transcript NM_000460.4 (MANE Select); coding-DNA position 792, one base deleted (C; older notation c.792delC).
Protein change: p.Ser265fs; shifts the reading frame from serine 265.
Molecular consequence: frameshift variant.
Genome position (GRCh38, 1-based): chr3:184,372,783, G deleted on the plus strand (C on the coding strand, the reverse complement: THPO is on the minus strand); the first of 3 consecutive G bases (chr3:184,372,783-184,372,785); deleting any one gives the same sequence. VCF-style (leftmost placement, unchanged base first): chr3-184372782-AG-A. GRCh37 (hg19) VCF-style: chr3-184090570-AG-A.
Other names: c.780del, p.Ser261fs (NM_001177597.2, NM_001290022.1); c.775del, p.Leu259fs (NM_001177598.2, NM_001290026.1); c.676del, p.Leu226fs (NM_001289997.1, NM_001290027.1); c.792del, p.Ser265fs (NM_001289998.1, NM_001290028.1); c.1212del, p.Ser405fs (NM_001290003.1); short protein forms L226fs, L259fs, S405fs, S261fs, S265fs.
Identifiers: ClinVar variation 4984761 (VCV004984761.1).